The following is an entry in ClinVar:

ClinVar aggregate classification (germline): Likely pathogenic (1 of 4 stars; one submission).

Submission:

CeGaT Center for Human Genetics Tuebingen
Classification: Likely pathogenic. Last evaluated: 2025-07-01. Review status: criteria provided, single submitter. Criteria: CeGaT Center For Human Genetics Tuebingen Variant Classification Criteria Version 2. Collection method: clinical testing. Allele origin: germline. Affected: yes. Observed: 1 variant allele.
Comment: TTN: PVS1:Strong, PM2

NM_001267550.2(TTN):c.56154G>A (p.Trp18718Ter)

Genes: TTN (titin; minus strand), TTN-AS1 (TTN antisense RNA 1; plus strand). Cytogenetic location: 2q31.2.
Variant type: single nucleotide variant.
Coding change: c.56154G>A on transcript NM_001267550.2 (MANE Select); coding-DNA position 56154, G replaced by A.
Protein change: p.Trp18718Ter; replaces tryptophan 18718 with a stop codon.
Molecular consequence: nonsense. On other transcripts: non-coding transcript variant (1).
Genome position (GRCh38, 1-based): chr2:178,599,747, C>T on the plus strand (G>A on the coding strand, the complement: TTN is on the minus strand). VCF-style: chr2-178599747-C-T. GRCh37 (hg19) VCF-style: chr2-179464474-C-T.
Other names: c.51231G>A, p.Trp17077Ter (NM_001256850.1); c.28959G>A, p.Trp9653Ter (NM_003319.4); c.48450G>A, p.Trp16150Ter (NM_133378.4); c.29334G>A, p.Trp9778Ter (NM_133432.3); c.29535G>A, p.Trp9845Ter (NM_133437.4); short protein forms W16150*, W17077*, W18718*, W9653*, W9778*, W9845*.
Identifiers: ClinVar variation 4085565 (VCV004085565.8).